The following is an entry in ClinVar:

ClinVar aggregate classification (germline): Likely benign (1 of 4 stars; one submission).

Submission:

CeGaT Center for Human Genetics Tuebingen
Classification: Likely benign. Last evaluated: 2026-07-01. Review status: criteria provided, single submitter. Criteria: CeGaT Center For Human Genetics Tuebingen Variant Classification Criteria Version 2. Collection method: clinical testing. Allele origin: germline. Affected: yes. Observed: 1 variant allele.
Comment: TWNK: PM2:Supporting, BP4, BP7

NM_021830.5(TWNK):c.405G>T (p.Gly135=)

Gene: TWNK (twinkle mtDNA helicase; plus strand). Cytogenetic location: 10q24.31.
Variant type: single nucleotide variant.
Coding change: c.405G>T on transcript NM_021830.5 (MANE Select); coding-DNA position 405, G replaced by T.
Protein change: p.Gly135=; no amino-acid change (glycine 135 retained).
Molecular consequence: synonymous variant. On other transcripts: non-coding transcript variant (4), intron variant (3).
Genome position (GRCh38, 1-based): chr10:100,988,615, G>T. VCF-style: chr10-100988615-G-T. GRCh37 (hg19) VCF-style: chr10-102748372-G-T.
Other names: c.405G>T, p.Gly135= (NM_001163812.2); c.-120+1002G>T (NM_001163814.2, NM_001163813.2); c.-58+1002G>T (NM_001368275.1).
Identifiers: ClinVar variation 5040287 (VCV005040287.1).